The following is an entry in ClinVar:

ClinVar aggregate classification (germline): Uncertain significance. Review status: criteria provided, multiple submitters, no conflicts (2 of 4 stars). 2 submissions from 2 submitters: Uncertain significance (2). Last evaluated 2024-08-29.

Conditions:
Familial cancer of breast. Also called: hereditary breast carcinoma; Hereditary breast cancer; BREAST CANCER, FAMILIAL. Identifiers: Orphanet 227535, MedGen C0346153, MONDO:0016419, OMIM 114480. Disease mechanism: loss of function.

Submissions (2):

Quest Diagnostics Nichols Institute San Juan Capistrano
Classification: Uncertain significance. Last evaluated: 2024-08-29. Review status: criteria provided, single submitter. Criteria: Quest Diagnostics criteria. Collection method: clinical testing. Allele origin: unknown.
Comment: The PALB2 c.98C>A (p.Ala33Asp) variant has not been reported in individuals with PALB2-related conditions in the published literature. It also has not been reported in large, multi-ethnic general populations (Genome Aggregation Database). Analysis of this variant using bioinformatics tools for the prediction of the effect of amino acid changes on protein structure and function yielded conflicting predictions that this variant is benign or damaging. Based on the available information, we are unable to determine the clinical significance of this variant.

Labcorp Genetics (formerly Invitae), Labcorp
Classification: Uncertain significance for Familial cancer of breast. Last evaluated: 2023-12-06. Review status: criteria provided, single submitter. Criteria: Invitae Variant Classification Sherloc (09022015). Collection method: clinical testing. Allele origin: germline.
Comment: This sequence change replaces alanine, which is neutral and non-polar, with aspartic acid, which is acidic and polar, at codon 33 of the PALB2 protein (p.Ala33Asp). This variant is not present in population databases (gnomAD no frequency). This variant has not been reported in the literature in individuals affected with PALB2-related conditions. ClinVar contains an entry for this variant (Variation ID: 1483345). An algorithm developed to predict the effect of missense changes on protein structure and function (PolyPhen-2) suggests that this variant is likely to be disruptive. In summary, the available evidence is currently insufficient to determine the role of this variant in disease. Therefore, it has been classified as a Variant of Uncertain Significance.

NM_024675.4(PALB2):c.98C>A (p.Ala33Asp)

Gene: PALB2 (partner and localizer of BRCA2; minus strand). Cytogenetic location: 16p12.2.
Variant type: single nucleotide variant.
Coding change: c.98C>A on transcript NM_024675.4 (MANE Select); coding-DNA position 98, C replaced by A.
Protein change: p.Ala33Asp; replaces alanine 33 with aspartic acid.
Molecular consequence: missense variant.
Genome position (GRCh38, 1-based): chr16:23,638,080, G>T on the plus strand (C>A on the coding strand, the complement: PALB2 is on the minus strand). VCF-style: chr16-23638080-G-T. GRCh37 (hg19) VCF-style: chr16-23649401-G-T.
Other names: c.98C>A (NM_024675.3); short protein forms A33D.
Identifiers: ClinVar variation 1483345 (VCV001483345.10), dbSNP rs780769645, ClinGen allele CA395139640.